The following is an entry in ClinVar:

NM_001161403.3(LIMS2):c.733T>G (p.Cys245Gly)

Gene: LIMS2 (LIM zinc finger domain containing 2; minus strand). Cytogenetic location: 2q14.3.
Variant type: single nucleotide variant.
Coding change: c.733T>G on transcript NM_001161403.3 (MANE Select); coding-DNA position 733, T replaced by G.
Protein change: p.Cys245Gly; replaces cysteine 245 with glycine.
Molecular consequence: missense variant.
Genome position (GRCh38, 1-based): chr2:127,640,916, A>C on the plus strand (T>G on the coding strand, the complement: LIMS2 is on the minus strand). VCF-style: chr2-127640916-A-C. GRCh37 (hg19) VCF-style: chr2-128398491-A-C.
Other names: c.799T>G, p.Cys267Gly (NM_001136037.4); c.718T>G, p.Cys240Gly (NM_001161404.2); c.277T>G, p.Cys93Gly (NM_001256542.2); c.805T>G, p.Cys269Gly (NM_017980.5); short protein forms C240G, C93G, C267G, C245G, C269G.
Identifiers: ClinVar variation 3652289 (VCV003652289.2).

ClinVar aggregate classification (germline): Uncertain significance (1 of 4 stars; one submission).

Conditions:
Autosomal recessive limb-girdle muscular dystrophy type 2W (MDRCMTT). Also called: Muscular dystrophy, autosomal recessive, with cardiomyopathy and triangular tongue; Muscular dystrophy, limb-girdle, type 2W. Identifiers: MedGen C4225192, MONDO:0014788, OMIM 616827.

Submission:

Labcorp Genetics (formerly Invitae), Labcorp
Classification: Uncertain significance for Autosomal recessive limb-girdle muscular dystrophy type 2W. Last evaluated: 2024-05-13. Review status: criteria provided, single submitter. Criteria: Invitae Variant Classification Sherloc (09022015). Collection method: clinical testing. Allele origin: germline.
Comment: This sequence change replaces cysteine, which is neutral and slightly polar, with glycine, which is neutral and non-polar, at codon 267 of the LIMS2 protein (p.Cys267Gly). This variant is not present in population databases (gnomAD no frequency). This variant has not been reported in the literature in individuals affected with LIMS2-related conditions. Advanced modeling of protein sequence and biophysical properties (such as structural, functional, and spatial information, amino acid conservation, physicochemical variation, residue mobility, and thermodynamic stability) performed at Invitae indicates that this missense variant is expected to disrupt LIMS2 protein function with a positive predictive value of 80%. In summary, the available evidence is currently insufficient to determine the role of this variant in disease. Therefore, it has been classified as a Variant of Uncertain Significance.